The following is an entry in ClinVar:

ClinVar aggregate classification (germline): Uncertain significance. Review status: criteria provided, multiple submitters, no conflicts (2 of 4 stars). 2 submissions from 2 submitters: Uncertain significance (2). Last evaluated 2022-11-22.

Conditions:
Iminoglycinuria. Identifiers: Orphanet 42062, MedGen C0268654, MONDO:0009448, OMIM 242600.
Neutral 1 amino acid transport defect (HND). Also called: HARTNUP DISORDER; Hartnup disease. Identifiers: Orphanet 2116, MedGen C0018609, MONDO:0009324, OMIM 234500.
Hyperglycinuria. Also called: GLYCINURIA WITH OR WITHOUT OXALATE NEPHROLITHIASIS; GLYCINURIA WITH OR WITHOUT OXALATE UROLITHIASIS; IMINOGLYCINURIA TYPE II. Identifiers: MedGen C0543541, MONDO:0007677, OMIM 138500, HP:0003108.

gnomAD v4.1: 10 of 1,612,160 alleles (0.00062%); highest among the groups gnomAD compares: Non-Finnish European, 0.00085%; no homozygotes.

Submissions (2):

Labcorp Genetics (formerly Invitae), Labcorp
Classification: Uncertain significance. Last evaluated: 2022-11-22. Review status: criteria provided, single submitter. Criteria: Invitae Variant Classification Sherloc (09022015). Collection method: clinical testing. Allele origin: germline.
Comment: This variant has not been reported in the literature in individuals affected with SLC6A19-related conditions. In summary, the available evidence is currently insufficient to determine the role of this variant in disease. Therefore, it has been classified as a Variant of Uncertain Significance. Advanced modeling of protein sequence and biophysical properties (such as structural, functional, and spatial information, amino acid conservation, physicochemical variation, residue mobility, and thermodynamic stability) performed at Invitae indicates that this missense variant is expected to disrupt SLC6A19 protein function. ClinVar contains an entry for this variant (Variation ID: 1481259). This variant is not present in population databases (gnomAD no frequency). This sequence change replaces leucine, which is neutral and non-polar, with proline, which is neutral and non-polar, at codon 484 of the SLC6A19 protein (p.Leu484Pro).

Fulgent Genetics
Classification: Uncertain significance for Hyperglycinuria; Neutral 1 amino acid transport defect; Iminoglycinuria. Last evaluated: 2022-05-17. Review status: criteria provided, single submitter. Criteria: ACMG Guidelines, 2015. Collection method: clinical testing. Allele origin: unknown.

NM_001003841.3(SLC6A19):c.1451T>C (p.Leu484Pro)

Gene: SLC6A19 (solute carrier family 6 member 19; plus strand). Cytogenetic location: 5p15.33.
Variant type: single nucleotide variant.
Coding change: c.1451T>C on transcript NM_001003841.3 (MANE Select); coding-DNA position 1451, T replaced by C.
Protein change: p.Leu484Pro; replaces leucine 484 with proline.
Molecular consequence: missense variant.
Genome position (GRCh38, 1-based): chr5:1,219,577, T>C. VCF-style: chr5-1219577-T-C. GRCh37 (hg19) VCF-style: chr5-1219692-T-C.
Other names: short protein forms L484P.
Identifiers: ClinVar variation 1481259 (VCV001481259.6), dbSNP rs905741990, ClinGen allele CA359075245.